The following is an entry in ClinVar:

ClinVar aggregate classification (germline): Likely pathogenic. Review status: criteria provided, multiple submitters, no conflicts (2 of 4 stars). 2 submissions from 2 submitters: Likely pathogenic (2). Last evaluated 2026-10-06.

Conditions:
Neurofibromatosis, type 1 (NF1). Also called: VON RECKLINGHAUSEN DISEASE; NEUROFIBROMATOSIS, TYPE I, SOMATIC; Peripheral type neurofibromatosis; Neurofibromatosis, type I. Identifiers: Orphanet 636, MedGen C0027831, MONDO:0018975, OMIM 162200. Disease mechanism: loss of function.
Cardiovascular phenotype. Identifiers: MedGen CN230736.
Hereditary cancer-predisposing syndrome. Also called: Neoplastic Syndromes, Hereditary; Tumor predisposition; Hereditary Cancer Syndrome; Hereditary neoplastic syndrome. Identifiers: Orphanet 140162, MedGen C0027672, MeSH D009386, MONDO:0015356.

Submissions (2):

NHS Central & South Genomic Laboratory Hub
Classification: Likely pathogenic for Neurofibromatosis type 1. Last evaluated: 2026-10-06. Review status: criteria provided, single submitter. Criteria: ACMG Guidelines, 2015. Collection method: clinical testing. Allele origin: germline. Affected: yes.

Ambry Genetics
Classification: Likely pathogenic for Cardiovascular phenotype; Hereditary cancer-predisposing syndrome. Last evaluated: 2025-06-18. Review status: criteria provided, single submitter. Criteria: Ambry Variant Classification Scheme 2023. Collection method: clinical testing. Allele origin: germline.
Comment: The p.L1894Q variant (also known as c.5681T>A), located in coding exon 38 of the NF1 gene, results from a T to A substitution at nucleotide position 5681. The leucine at codon 1894 is replaced by glutamine, an amino acid with dissimilar properties. Another variant at the same codon, p.L1894P (c.5681T>C) has been identified in individual(s) with features consistent with Neurofibromatosis type 1 (Ambry internal data). This missense alteration is located in a region that has a low rate of benign missense variation (Lek M et al. Nature. 2016 Aug 18;536(7616):285-91; DECIPHER: Database of Chromosomal Imbalance and Phenotype in Humans using Ensembl Resources. Firth H.V. et al. 2009. Am.J.Hum.Genet. 84, 524-533 (DOI)). This amino acid position is highly conserved in available vertebrate species. In addition, this alteration is predicted to be deleterious by in silico analysis. This variant is considered to be rare based on population cohorts in the Genome Aggregation Database (gnomAD). Based on the majority of available evidence to date, this variant is likely to be pathogenic.

NM_001042492.3(NF1):c.5744T>A (p.Leu1915Gln)

Gene: NF1 (neurofibromin 1; plus strand). Cytogenetic location: 17q11.2.
Variant type: single nucleotide variant.
Coding change: c.5744T>A on transcript NM_001042492.3 (MANE Select); coding-DNA position 5744, T replaced by A.
Protein change: p.Leu1915Gln; replaces leucine 1915 with glutamine.
Molecular consequence: missense variant.
Genome position (GRCh38, 1-based): chr17:31,330,430, T>A. VCF-style: chr17-31330430-T-A. GRCh37 (hg19) VCF-style: chr17-29657448-T-A.
Other names: c.5681T>A, p.Leu1894Gln (NM_000267.4); short protein forms L1915Q, L1894Q.
Identifiers: ClinVar variation 4119053 (VCV004119053.2).